The following is an entry in ClinVar:

ClinVar aggregate classification (germline): Uncertain significance (1 of 4 stars; one submission).

Conditions:
Alpha thalassemia-X-linked intellectual disability syndrome (ATRX). Also called: ATR-X syndrome; Alpha thalassemia mental retardation syndrome, nondeletion type, X-linked; XLMR hypotonic face syndrome; ALPHA-THALASSEMIA/IMPAIRED INTELLECTUAL DEVELOPMENT SYNDROME, X-LINKED; ALPHA-THALASSEMIA/MENTAL RETARDATION SYNDROME, X-LINKED; ATR, NONDELETION TYPE. Identifiers: Orphanet 847, MedGen C1845055, MONDO:0010519, OMIM 301040.

Submission:

Labcorp Genetics (formerly Invitae), Labcorp
Classification: Uncertain significance for Alpha thalassemia-X-linked intellectual disability syndrome. Last evaluated: 2019-07-16. Review status: criteria provided, single submitter. Criteria: Invitae Variant Classification Sherloc (09022015). Collection method: clinical testing. Allele origin: germline.
Comment: This sequence change replaces isoleucine with valine at codon 347 of the ATRX protein (p.Ile347Val). The isoleucine residue is weakly conserved and there is a small physicochemical difference between isoleucine and valine. This variant is not present in population databases (ExAC no frequency). This variant has not been reported in the literature in individuals with ATRX-related conditions. Algorithms developed to predict the effect of missense changes on protein structure and function (SIFT, PolyPhen-2, Align-GVGD) all suggest that this variant is likely to be tolerated, but these predictions have not been confirmed by published functional studies and their clinical significance is uncertain. Algorithms developed to predict the effect of sequence changes on RNA splicing suggest that this variant may create or strengthen a splice site, but this prediction has not been confirmed by published transcriptional studies. In summary, the available evidence is currently insufficient to determine the role of this variant in disease. Therefore, it has been classified as a Variant of Uncertain Significance.

NM_000489.6(ATRX):c.1039A>G (p.Ile347Val)

Gene: ATRX (ATRX chromatin remodeler; minus strand). Cytogenetic location: Xq21.1.
Variant type: single nucleotide variant.
Coding change: c.1039A>G on transcript NM_000489.6 (MANE Select); coding-DNA position 1039, A replaced by G.
Protein change: p.Ile347Val; replaces isoleucine 347 with valine.
Molecular consequence: missense variant.
Genome position (GRCh38, 1-based): chrX:77,684,217, T>C on the plus strand (A>G on the coding strand, the complement: ATRX is on the minus strand). VCF-style: chrX-77684217-T-C. GRCh37 (hg19) VCF-style: chrX-76939709-T-C.
Other names: c.925A>G, p.Ile309Val (NM_138270.5); short protein forms I309V, I347V.
Identifiers: ClinVar variation 864038 (VCV000864038.10), dbSNP rs2071426013, ClinGen allele CA413719760.